The following is an entry in ClinVar:

ClinVar aggregate classification (germline): Conflicting classifications of pathogenicity. Review status: criteria provided, conflicting classifications (1 of 4 stars). 2 submissions from 2 submitters: Uncertain significance (1); Likely benign (1). Last evaluated 2025-07-29.

Conditions:
Inborn genetic diseases. Identifiers: MedGen C0950123, MeSH D030342.

gnomAD v4.1: 12 of 1,614,074 alleles (0.00074%); highest among the groups gnomAD compares: South Asian, 0.0011%; no homozygotes.

Submissions (2):

Ambry Genetics
Classification: Likely benign for Inborn genetic diseases. Last evaluated: 2025-07-29. Review status: criteria provided, single submitter. Criteria: Ambry Variant Classification Scheme 2023. Collection method: clinical testing. Allele origin: germline.

Labcorp Genetics (formerly Invitae), Labcorp
Classification: Uncertain significance. Last evaluated: 2024-07-04. Review status: criteria provided, single submitter. Criteria: Invitae Variant Classification Sherloc (09022015). Collection method: clinical testing. Allele origin: germline.
Comment: This sequence change replaces glycine, which is neutral and non-polar, with arginine, which is basic and polar, at codon 72 of the DDX41 protein (p.Gly72Arg). This variant is present in population databases (rs752494819, gnomAD 0.003%). This variant has not been reported in the literature in individuals affected with DDX41-related conditions. An algorithm developed to predict the effect of missense changes on protein structure and function (PolyPhen-2) suggests that this variant is likely to be tolerated. In summary, the available evidence is currently insufficient to determine the role of this variant in disease. Therefore, it has been classified as a Variant of Uncertain Significance.

NM_016222.4(DDX41):c.214G>C (p.Gly72Arg)

Gene: DDX41 (DEAD-box helicase 41; minus strand). Cytogenetic location: 5q35.3.
Variant type: single nucleotide variant.
Coding change: c.214G>C on transcript NM_016222.4 (MANE Select); coding-DNA position 214, G replaced by C.
Protein change: p.Gly72Arg; replaces glycine 72 with arginine.
Molecular consequence: missense variant. On other transcripts: 5 prime UTR variant (2).
Genome position (GRCh38, 1-based): chr5:177,516,372, C>G on the plus strand (G>C on the coding strand, the complement: DDX41 is on the minus strand). VCF-style: chr5-177516372-C-G. GRCh37 (hg19) VCF-style: chr5-176943373-C-G.
Other names: c.-165G>C (NM_001321732.2, NM_001321830.2); c.214G>C (NM_016222.2); short protein forms G72R.
Identifiers: ClinVar variation 3628013 (VCV003628013.3).